The following is an entry in ClinVar:

NM_014334.4(FRRS1L):c.-15G>A

Gene: FRRS1L (ferric chelate reductase 1 like; minus strand). Cytogenetic location: 9q31.3.
Variant type: single nucleotide variant.
Coding change: c.-15G>A on transcript NM_014334.4 (MANE Select); 15 bases upstream of the start codon, G replaced by A.
Molecular consequence: 5 prime UTR variant.
Genome position (GRCh38, 1-based): chr9:109,167,153, C>T on the plus strand (G>A on the coding strand, the complement: FRRS1L is on the minus strand). VCF-style: chr9-109167153-C-T. GRCh37 (hg19) VCF-style: chr9-111929433-C-T.
Identifiers: ClinVar variation 1939219 (VCV001939219.2), dbSNP rs1831566176, ClinGen allele CA374430773.

ClinVar aggregate classification (germline): Uncertain significance (1 of 4 stars; one submission).

Conditions:
Developmental and epileptic encephalopathy, 37 (DEE37). Also called: Epileptic encephalopathy, early infantile, 37. Identifiers: MedGen C4310770, MONDO:0014859, OMIM 616981.

Allele frequency attached by ClinVar (database versions not stated): gnomAD exomes below 0.00001.
gnomAD v4.1: 1 of 1,143,220 alleles (0.000087%); highest among the groups gnomAD compares: Non-Finnish European, 0.00011%; no homozygotes.

Submission:

Labcorp Genetics (formerly Invitae), Labcorp
Classification: Uncertain significance for Developmental and epileptic encephalopathy, 37. Last evaluated: 2022-06-08. Review status: criteria provided, single submitter. Criteria: Invitae Variant Classification Sherloc (09022015). Collection method: clinical testing. Allele origin: germline.
Comment: This sequence change replaces aspartic acid, which is acidic and polar, with asparagine, which is neutral and polar, at codon 47 of the FRRS1L protein (p.Asp47Asn). The frequency data for this variant in the population databases is considered unreliable, as metrics indicate insufficient coverage at this position in the gnomAD database. This variant has not been reported in the literature in individuals affected with FRRS1L-related conditions. Algorithms developed to predict the effect of missense changes on protein structure and function are either unavailable or do not agree on the potential impact of this missense change (SIFT: "Deleterious"; PolyPhen-2: "Not Available"; Align-GVGD: "Class C0"). In summary, the available evidence is currently insufficient to determine the role of this variant in disease. Therefore, it has been classified as a Variant of Uncertain Significance.